The following is an entry in ClinVar:

NM_006886.4(ATP5F1E):c.41G>C (p.Arg14Pro)

Genes: ATP5F1E (ATP synthase F1 subunit epsilon; minus strand), SLMO2-ATP5E (SLMO2-ATP5E readthrough; minus strand). Cytogenetic location: 20q13.32.
Variant type: single nucleotide variant.
Coding change: c.41G>C on transcript NM_006886.4 (MANE Select); coding-DNA position 41, G replaced by C.
Protein change: p.Arg14Pro; replaces arginine 14 with proline.
Molecular consequence: missense variant. On other transcripts: non-coding transcript variant (2).
Genome position (GRCh38, 1-based): chr20:59,030,421, C>G on the plus strand (G>C on the coding strand, the complement: ATP5F1E is on the minus strand). VCF-style: chr20-59030421-C-G. GRCh37 (hg19) VCF-style: chr20-57605476-C-G.
Other names: c.41G>C, p.Arg14Pro (NM_001001977.1); short protein forms R14P.
Identifiers: ClinVar variation 2957680 (VCV002957680.3), dbSNP rs138025844, ClinGen allele CA9928747.

ClinVar aggregate classification (germline): Uncertain significance (1 of 4 stars; one submission).

Allele frequency attached by ClinVar (database versions not stated): ESP Exome Variant Server 0.00008; ExAC 0.00001.

Submission:

Labcorp Genetics (formerly Invitae), Labcorp
Classification: Uncertain significance. Last evaluated: 2026-01-25. Review status: criteria provided, single submitter. Criteria: Invitae Variant Classification Sherloc (09022015). Collection method: clinical testing. Allele origin: germline.
Comment: This sequence change replaces arginine, which is basic and polar, with proline, which is neutral and non-polar, at codon 14 of the ATP5E protein (p.Arg14Pro). This variant is present in population databases (rs138025844, gnomAD 0.007%). This variant has not been reported in the literature in individuals affected with ATP5E-related conditions. ClinVar contains an entry for this variant (Variation ID: 2957680). An algorithm developed to predict the effect of missense changes on protein structure and function (PolyPhen-2) suggests that this variant is likely to be disruptive. In summary, the available evidence is currently insufficient to determine the role of this variant in disease. Therefore, it has been classified as a Variant of Uncertain Significance.